The following is an entry in ClinVar:

NM_000059.4(BRCA2):c.4223A>G (p.Gln1408Arg)

Gene: BRCA2 (BRCA2 DNA repair associated; plus strand). Cytogenetic location: 13q13.1.
Variant type: single nucleotide variant.
Coding change: c.4223A>G on transcript NM_000059.4 (MANE Select); coding-DNA position 4223, A replaced by G.
Protein change: p.Gln1408Arg; replaces glutamine 1408 with arginine.
Molecular consequence: missense variant.
Genome position (GRCh38, 1-based): chr13:32,338,578, A>G. VCF-style: chr13-32338578-A-G. GRCh37 (hg19) VCF-style: chr13-32912715-A-G.
Other names: c.4223A>G (NM_000059.3); short protein forms Q1408R.
Identifiers: ClinVar variation 1385207 (VCV001385207.12), dbSNP rs762778002, ClinGen allele CA6940760.

ClinVar aggregate classification (germline): Conflicting classifications of pathogenicity. Review status: criteria provided, conflicting classifications (1 of 4 stars). 5 submissions from 5 submitters: Uncertain significance (4); Likely benign (1). Last evaluated 2025-05-13.

Conditions:
Hereditary cancer-predisposing syndrome. Also called: Tumor predisposition; Neoplastic Syndromes, Hereditary; Hereditary Cancer Syndrome; Hereditary neoplastic syndrome. Identifiers: Orphanet 140162, MedGen C0027672, MeSH D009386, MONDO:0015356.
Hereditary breast ovarian cancer syndrome. Also called: Hereditary breast and ovarian cancer syndrome (HBOC); Breast and ovarian cancer; BRCA1- and BRCA2-Associated Hereditary Breast and Ovarian Cancer; Hereditary breast and ovarian cancer; Hereditary breast and ovarian cancer syndrome; Hereditary breast and/or ovarian cancer syndrome. Identifiers: Orphanet 145, MedGen C0677776, MeSH D061325, MONDO:0003582. Disease mechanism: loss of function.

Allele frequency attached by ClinVar (database versions not stated): gnomAD exomes below 0.00001 and 0.00001; ExAC 0.00001.
gnomAD v4.1: 4 of 1,596,656 alleles (0.00025%); highest among the groups gnomAD compares: South Asian, 0.0034%; no homozygotes.

Submissions (5):

Labcorp Genetics (formerly Invitae), Labcorp
Classification: Uncertain significance for Hereditary breast ovarian cancer syndrome. Last evaluated: 2025-05-13. Review status: criteria provided, single submitter. Criteria: Invitae Variant Classification Sherloc (09022015). Collection method: clinical testing. Allele origin: germline.
Comment: This sequence change replaces glutamine, which is neutral and polar, with arginine, which is basic and polar, at codon 1408 of the BRCA2 protein (p.Gln1408Arg). This variant is present in population databases (rs762778002, gnomAD 0.003%). This missense change has been observed in individual(s) with breast cancer and/or colorectal cancer (PMID: 29625052, 34290354, 36451132). ClinVar contains an entry for this variant (Variation ID: 1385207). Invitae Evidence Modeling of protein sequence and biophysical properties (such as structural, functional, and spatial information, amino acid conservation, physicochemical variation, residue mobility, and thermodynamic stability) indicates that this missense variant is not expected to disrupt BRCA2 protein function with a negative predictive value of 95%. In summary, the available evidence is currently insufficient to determine the role of this variant in disease. Therefore, it has been classified as a Variant of Uncertain Significance.

Quest Diagnostics Nichols Institute San Juan Capistrano
Classification: Uncertain significance. Last evaluated: 2025-02-14. Review status: criteria provided, single submitter. Criteria: Quest Diagnostics criteria. Collection method: clinical testing. Allele origin: unknown.
Comment: The BRCA2 c.4223A>G (p.Gln1408Arg) variant has been reported in the published literature in at least one individual affected with colon adenocarcinoma (PMID: 29625052 (2018), 36451132 (2022)), and described to be located in a region of the BRCA2 gene that is tolerant to missense sequence changes (PMID: 31911673 (2020)). The frequency of this variant in the general population (Genome Aggregation Database) is uninformative in the assessment of its pathogenicity. Analysis of this variant using bioinformatics tools for the prediction of the effect of amino acid changes on protein structure and function yielded predictions that this variant is benign. Based on the available information, we are unable to determine the clinical significance of this variant.

GeneDx
Classification: Uncertain significance. Last evaluated: 2024-08-27. Review status: criteria provided, single submitter. Criteria: GeneDx Variant Classification Process June 2021. Collection method: clinical testing. Allele origin: germline. Affected: yes.
Comment: Observed in an individual with colon cancer (PMID: 29625052); Not observed at significant frequency in large population cohorts (gnomAD); In silico analysis supports that this missense variant has a deleterious effect on protein structure/function; Also known as 4451A>G; This variant is associated with the following publications: (PMID: 36451132, 30254663, 32377563, 29884841, 34290354, 29625052)

University of Washington Department of Laboratory Medicine, University of Washington
Classification: Likely benign for Hereditary cancer-predisposing syndrome. Last evaluated: 2023-03-23. Review status: criteria provided, single submitter. Criteria: Dines et al. (Genet Med. 2020). Collection method: curation. Allele origin: germline.
Comment: Missense variant in a coldspot region where missense variants are very unlikely to be pathogenic (PMID:31911673).

BRCA2 exon 11 coldspot. Reclassification based on statistical prior probability.

Color Diagnostics, LLC DBA Color Health
Classification: Uncertain significance for Hereditary cancer-predisposing syndrome. Last evaluated: 2021-09-20. Review status: criteria provided, single submitter. Criteria: ACMG Guidelines, 2015. Collection method: clinical testing. Allele origin: germline.
Comment: This missense variant replaces glutamine with arginine at codon 1408 of the BRCA2 protein. Computational prediction suggests that this variant may not impact protein structure and function (internally defined REVEL score threshold <= 0.5, PMID: 27666373). To our knowledge, functional studies have not been reported for this variant. This variant has been reported in an individual affected with breast cancer with a co-segregation likelihood ratio for pathogenicity of 1.63 (PMID: 30254663). This variant has been identified in 2/240092 chromosomes in the general population by the Genome Aggregation Database (gnomAD). The available evidence is insufficient to determine the role of this variant in disease conclusively. Therefore, this variant is classified as a Variant of Uncertain Significance.

Literature cited by the submitters: PubMed 29625052 (cited by Labcorp Genetics (formerly Invitae), Labcorp and Quest Diagnostics Nichols Institute San Juan Capistrano); PubMed 34290354 (cited by Labcorp Genetics (formerly Invitae), Labcorp); PubMed 36451132 (cited by Labcorp Genetics (formerly Invitae), Labcorp and Quest Diagnostics Nichols Institute San Juan Capistrano); PubMed 31911673 (cited by Quest Diagnostics Nichols Institute San Juan Capistrano); PubMed 30254663 (cited by Color Diagnostics, LLC DBA Color Health).